The following is an entry in ClinVar:

NM_020984.4(CHAT):c.-69+2202A>G

Genes: CHAT (choline O-acetyltransferase; plus strand), SLC18A3 (solute carrier family 18 member A3; plus strand). Cytogenetic location: 10q11.23.
Variant type: single nucleotide variant.
Coding change: c.-69+2202A>G on transcript NM_020984.4; 2202 bases into the intron after 69 bases upstream of the start codon, A replaced by G.
Molecular consequence: intron variant. On other transcripts: missense variant (1).
Genome position (GRCh38, 1-based): chr10:49,611,401, A>G. VCF-style: chr10-49611401-A-G. GRCh37 (hg19) VCF-style: chr10-50819447-A-G.
Other names: c.661A>G, p.Ile221Val (NM_003055.3); short protein forms I221V.
Identifiers: ClinVar variation 1305707 (VCV001305707.4), dbSNP rs2132686941, ClinGen allele CA376720029.
Genomic context (GRCh38, chr10:49,611,401, plus strand): 5'-GCCGATAAGTACCCGGAGGAGCCGGAGCGCAGTCGTGCACTGGGCGTGGCGCTGGCCTTC[A>G]TTAGCTTCGGAAGCCTAGTGGCCCCGCCCTTCGGGGGCATCCTCTATGAGTTCGCCGGCA-3'

ClinVar aggregate classification (germline): Uncertain significance (1 of 4 stars; one submission).

gnomAD v4.1: 2 of 1,598,518 alleles (0.00013%); highest among the groups gnomAD compares: Non-Finnish European, 0.00017%; no homozygotes.

Submission:

GeneDx
Classification: Uncertain significance. Last evaluated: 2019-05-15. Review status: criteria provided, single submitter. Criteria: GeneDx Variant Classification Process June 2021. Collection method: clinical testing. Allele origin: germline. Affected: yes.
Comment: Not observed in large population cohorts (Lek et al., 2016); In silico analysis, which includes protein predictors and evolutionary conservation, supports that this variant does not alter protein structure/function; Has not been previously published as pathogenic or benign to our knowledge